The following is an entry in ClinVar:

NM_001244008.2(KIF1A):c.248A>T (p.Gln83Leu)

Gene: KIF1A (kinesin family member 1A; minus strand). Cytogenetic location: 2q37.3.
Variant type: single nucleotide variant.
Coding change: c.248A>T on transcript NM_001244008.2 (MANE Select); coding-DNA position 248, A replaced by T.
Protein change: p.Gln83Leu; replaces glutamine 83 with leucine.
Molecular consequence: missense variant.
Genome position (GRCh38, 1-based): chr2:240,788,166, T>A on the plus strand (A>T on the coding strand, the complement: KIF1A is on the minus strand). VCF-style: chr2-240788166-T-A. GRCh37 (hg19) VCF-style: chr2-241727583-T-A.
Other names: c.248A>T, p.Gln83Leu (NM_001320705.2, NM_001330289.2, NM_001330290.2 and 20 more transcripts); short protein forms Q83L.
Identifiers: ClinVar variation 653055 (VCV000653055.9), dbSNP rs1575637032, ClinGen allele CA351310687.

ClinVar aggregate classification (germline): Uncertain significance (1 of 4 stars; one submission).

Conditions:
Neuropathy, hereditary sensory, type 2C. Also called: KIF1A-Related HSAN2 (HSAN2C); Hereditary sensory and autonomic neuropathy type IIC. Identifiers: Orphanet 970, MedGen C3280168, MONDO:0013634, OMIM 614213.
Intellectual disability, autosomal dominant 9 (NESCAVS). Also called: NESCAV SYNDROME; KIF1A-Related Neurodevelopmental Disorder. Identifiers: Orphanet 662367, MedGen C5393830, MONDO:0013656, OMIM 614255.
Hereditary spastic paraplegia 30. Identifiers: Orphanet 101010, MedGen C5235139, MONDO:0012476.

Submission:

Labcorp Genetics (formerly Invitae), Labcorp
Classification: Uncertain significance for Hereditary spastic paraplegia 30; Neuropathy, hereditary sensory, type 2C; Intellectual disability, autosomal dominant 9. Last evaluated: 2018-11-06. Review status: criteria provided, single submitter. Criteria: Invitae Variant Classification Sherloc (09022015). Collection method: clinical testing. Allele origin: germline.
Comment: In summary, the available evidence is currently insufficient to determine the role of this variant in disease. Therefore, it has been classified as a Variant of Uncertain Significance. Algorithms developed to predict the effect of missense changes on protein structure and function (SIFT, PolyPhen-2, Align-GVGD) all suggest that this variant is likely to be tolerated, but these predictions have not been confirmed by published functional studies and their clinical significance is uncertain. This variant has not been reported in the literature in individuals with KIF1A-related disease. This variant is not present in population databases (ExAC no frequency). This sequence change replaces glutamine with leucine at codon 83 of the KIF1A protein (p.Gln83Leu). The glutamine residue is highly conserved and there is a moderate physicochemical difference between glutamine and leucine.